The following is an entry in ClinVar:

ClinVar aggregate classification (germline): Conflicting classifications of pathogenicity. Review status: criteria provided, conflicting classifications (1 of 4 stars). 3 submissions from 3 submitters: Uncertain significance (2); Likely benign (1). Last evaluated 2026-04-06.

Conditions:
CHD2-related disorder. Also called: CHD2-related condition.
Inborn genetic diseases. Identifiers: MedGen C0950123, MeSH D030342.
Developmental and epileptic encephalopathy 94 (DEE94). Also called: CHD2-Related Neurodevelopmental Disorders; Epileptic encephalopathy, childhood-onset. Identifiers: Orphanet 1942, Orphanet 2382, MedGen C3809278, MONDO:0014150, OMIM 615369.

Submissions (3):

PreventionGenetics, part of Exact Sciences
Classification: Uncertain significance for CHD2-related condition. Last evaluated: 2026-04-06. Review status: criteria provided, single submitter. Criteria: ACMG Guidelines, 2015. Collection method: clinical testing. Allele origin: germline.
Comment: The CHD2 c.3982_3984delAAG variant is predicted to result in an in-frame deletion (p.Lys1328del). To our knowledge, this variant has not been reported in the literature. This variant is reported in 0.00088% of alleles in individuals of European (Non-Finnish) descent in gnomAD. At this time, the clinical significance of this variant is uncertain due to the absence of conclusive functional and genetic evidence.

Ambry Genetics
Classification: Likely benign for Inborn genetic diseases. Last evaluated: 2025-03-17. Review status: criteria provided, single submitter. Criteria: Ambry Variant Classification Scheme 2023. Collection method: clinical testing. Allele origin: germline.

Labcorp Genetics (formerly Invitae), Labcorp
Classification: Uncertain significance for Developmental and epileptic encephalopathy 94. Last evaluated: 2024-10-24. Review status: criteria provided, single submitter. Criteria: Invitae Variant Classification Sherloc (09022015). Collection method: clinical testing. Allele origin: germline.
Comment: This variant, c.3982_3984del, results in the deletion of 1 amino acid(s) of the CHD2 protein (p.Lys1328del), but otherwise preserves the integrity of the reading frame. This variant is present in population databases (no rsID available, gnomAD 0.0009%). This variant has not been reported in the literature in individuals affected with CHD2-related conditions. ClinVar contains an entry for this variant (Variation ID: 474389). Experimental studies and prediction algorithms are not available or were not evaluated, and the functional significance of this variant is currently unknown. In summary, the available evidence is currently insufficient to determine the role of this variant in disease. Therefore, it has been classified as a Variant of Uncertain Significance.

Literature cited by the submitters: PubMed 31440721 (cited by Ambry Genetics).

NM_001271.4(CHD2):c.3979AAG[1] (p.Lys1328del)

Gene: CHD2 (chromodomain helicase DNA binding protein 2; plus strand). Cytogenetic location: 15q26.1.
Variant type: Microsatellite.
Coding change: c.3979AAG[1] on transcript NM_001271.4 (MANE Select); one copy of the 3-base unit AAG starting at c.3979; the reference has two copies in a row; one copy, 3 bases deleted.
Protein change: p.Lys1328del; deletes lysine 1328.
Molecular consequence: inframe deletion.
Genome position (GRCh38, 1-based): chr15:92,998,595-92,998,597, AAG deleted; deleting any 3 consecutive bases within chr15:92,998,590-92,998,597 gives the same sequence; the position shown is the placement nearest the transcript's 3' end. VCF-style (leftmost placement, unchanged base first): chr15-92998589-GAGA-G. GRCh37 (hg19) VCF-style: chr15-93541819-GAGA-G.
Other names: short protein forms K1328del.
Identifiers: ClinVar variation 474389 (VCV000474389.14), dbSNP rs1410645881, ClinGen allele CA619619725.